The following is an entry in ClinVar:

ClinVar aggregate classification (germline): Benign/Likely benign. Review status: criteria provided, multiple submitters, no conflicts (2 of 4 stars). 5 submissions from 5 submitters: Benign (1); Likely benign (4). Last evaluated 2026-01-21.

Conditions:
MTO1-related disorder. Also called: MTO1-related condition.
Mitochondrial hypertrophic cardiomyopathy with lactic acidosis due to MTO1 deficiency. Also called: Combined oxidative phosphorylation deficiency 10; CARDIOMYOPATHY, INFANTILE HYPERTROPHIC MITOCHONDRIAL, AND LACTIC ACIDOSIS. Identifiers: Orphanet 314637, MedGen C4749921, MONDO:0013865, OMIM 614702.

Allele frequency attached by ClinVar (database versions not stated): ExAC 0.00114; 1000 Genomes Project 30x 0.00125; 1000 Genomes Project 0.00160; gnomAD below 0.00001 and 0.00026; TOPMed 0.00004; gnomAD exomes 0.00054 and 0.00105.
gnomAD v4.1: 831 of 1,614,120 alleles (0.051%); highest among the groups gnomAD compares: South Asian, 0.87%; 12 homozygotes.

Submissions (5):

Labcorp Genetics (formerly Invitae), Labcorp
Classification: Benign for Mitochondrial hypertrophic cardiomyopathy with lactic acidosis due to MTO1 deficiency. Last evaluated: 2026-01-21. Review status: criteria provided, single submitter. Criteria: Invitae Variant Classification Sherloc (09022015). Collection method: clinical testing. Allele origin: germline.

PreventionGenetics, part of Exact Sciences
Classification: Likely benign for MTO1-related condition. Last evaluated: 2024-11-21. Review status: criteria provided, single submitter. Criteria: ACMG Guidelines, 2015. Collection method: clinical testing. Allele origin: germline.
Comment: This variant is classified as likely benign based on ACMG/AMP sequence variant interpretation guidelines (Richards et al. 2015 PMID: 25741868, with internal and published modifications).

Blueprint Genetics
Classification: Likely benign. Last evaluated: 2024-10-23. Review status: criteria provided, single submitter. Criteria: ACMG Guidelines, 2015. Collection method: clinical testing. Allele origin: germline.

CeGaT Center for Human Genetics Tuebingen
Classification: Likely benign. Last evaluated: 2022-11-01. Review status: criteria provided, single submitter. Criteria: CeGaT Center For Human Genetics Tuebingen Variant Classification Criteria Version 2. Collection method: clinical testing. Allele origin: germline. Affected: yes. Observed: 1 variant allele.
Comment: MTO1: BP4, BP7

GeneDx
Classification: Likely benign. Last evaluated: 2017-10-16. Review status: criteria provided, single submitter. Criteria: GeneDx Variant Classification (06012015). Collection method: clinical testing. Allele origin: germline. Affected: yes.
Comment: This variant is considered likely benign or benign based on one or more of the following criteria: it is a conservative change, it occurs at a poorly conserved position in the protein, it is predicted to be benign by multiple in silico algorithms, and/or has population frequency not consistent with disease.

NM_012123.4(MTO1):c.1059A>G (p.Leu353=)

Gene: MTO1 (mitochondrial tRNA translation optimization 1; plus strand). Cytogenetic location: 6q13.
Variant type: single nucleotide variant.
Coding change: c.1059A>G on transcript NM_012123.4 (MANE Select); coding-DNA position 1059, A replaced by G.
Protein change: p.Leu353=; no amino-acid change (leucine 353 retained).
Molecular consequence: synonymous variant.
Genome position (GRCh38, 1-based): chr6:73,480,056, A>G. VCF-style: chr6-73480056-A-G. GRCh37 (hg19) VCF-style: chr6-74189779-A-G.
Other names: c.1059A>G, p.Leu353= (NM_001123226.2, NM_133645.3).
Identifiers: ClinVar variation 516313 (VCV000516313.35), dbSNP rs201656868, ClinGen allele CA3889513.